The following is an entry in ClinVar:

NM_001134673.4(NFIA):c.589C>A (p.Pro197Thr)

Gene: NFIA (nuclear factor I A; plus strand). Cytogenetic location: 1p31.3.
Variant type: single nucleotide variant.
Coding change: c.589C>A on transcript NM_001134673.4 (MANE Select); coding-DNA position 589, C replaced by A.
Protein change: p.Pro197Thr; replaces proline 197 with threonine.
Molecular consequence: missense variant.
Genome position (GRCh38, 1-based): chr1:61,277,549, C>A. VCF-style: chr1-61277549-C-A. GRCh37 (hg19) VCF-style: chr1-61743221-C-A.
Other names: c.565C>A, p.Pro189Thr (NM_001145511.2); c.724C>A, p.Pro242Thr (NM_001145512.2); c.589C>A, p.Pro197Thr (NM_005595.5); short protein forms P189T, P197T, P242T.
Identifiers: ClinVar variation 4885236 (VCV004885236.2).

ClinVar aggregate classification (germline): Uncertain significance (1 of 4 stars; one submission).

gnomAD v4.1: 1 of 1,613,800 alleles (0.000062%); highest among the groups gnomAD compares: Non-Finnish European, 0.000085%; no homozygotes.

Submission:

Dasa
Classification: Uncertain significance. Last evaluated: 2025-06-06. Review status: criteria provided, single submitter. Criteria: DASA Assertion Criteria. Collection method: clinical testing. Allele origin: germline.
Comment: NM_001134673.4(NFIA):c.589C>A (p.Pro197Thr) is a missense variant that results in the substitution of proline with threonine. This variant is rare in population databases. Computational prediction algorithms are consistent with a benign effect. The currently available literature and clinical evidence are not sufficient to establish a definitive association between this variant and the reported condition. Therefore, this variant is classified as a variant of uncertain significance.